The following is an entry in ClinVar:

ClinVar aggregate classification (germline): Uncertain significance (1 of 4 stars; one submission).

Conditions:
Alstrom syndrome (ALMS). Identifiers: Orphanet 64, MedGen C0268425, MONDO:0008763, OMIM 203800.

Submission:

Labcorp Genetics (formerly Invitae), Labcorp
Classification: Uncertain significance for Alstrom syndrome. Last evaluated: 2022-01-01. Review status: criteria provided, single submitter. Criteria: Invitae Variant Classification Sherloc (09022015). Collection method: clinical testing. Allele origin: germline.
Comment: This sequence change replaces aspartic acid, which is acidic and polar, with alanine, which is neutral and non-polar, at codon 3066 of the ALMS1 protein (p.Asp3066Ala). This variant is not present in population databases (gnomAD no frequency). This variant has not been reported in the literature in individuals affected with ALMS1-related conditions. Experimental studies and prediction algorithms are not available or were not evaluated, and the functional significance of this variant is currently unknown. In summary, the available evidence is currently insufficient to determine the role of this variant in disease. Therefore, it has been classified as a Variant of Uncertain Significance.

NM_001378454.1(ALMS1):c.9194A>C (p.Asp3065Ala)

Gene: ALMS1 (ALMS1 centrosome and basal body associated protein; plus strand). Cytogenetic location: 2p13.1.
Variant type: single nucleotide variant.
Coding change: c.9194A>C on transcript NM_001378454.1 (MANE Select); coding-DNA position 9194, A replaced by C.
Protein change: p.Asp3065Ala; replaces aspartic acid 3065 with alanine.
Molecular consequence: missense variant.
Genome position (GRCh38, 1-based): chr2:73,491,153, A>C. VCF-style: chr2-73491153-A-C. GRCh37 (hg19) VCF-style: chr2-73718280-A-C.
Other names: c.9197A>C, p.Asp3066Ala (NM_015120.4); short protein forms D3066A, D3065A.
Identifiers: ClinVar variation 2068975 (VCV002068975.4), dbSNP rs2466219792, ClinGen allele CA347273470.